The following is an entry in ClinVar:

NM_004519.4(KCNQ3):c.1784C>T (p.Ser595Phe)

Gene: KCNQ3 (potassium voltage-gated channel subfamily Q member 3; minus strand). Cytogenetic location: 8q24.22.
Variant type: single nucleotide variant.
Coding change: c.1784C>T on transcript NM_004519.4 (MANE Select); coding-DNA position 1784, C replaced by T.
Protein change: p.Ser595Phe; replaces serine 595 with phenylalanine.
Molecular consequence: missense variant.
Genome position (GRCh38, 1-based): chr8:132,134,305, G>A on the plus strand (C>T on the coding strand, the complement: KCNQ3 is on the minus strand). VCF-style: chr8-132134305-G-A. GRCh37 (hg19) VCF-style: chr8-133146552-G-A.
Other names: c.1424C>T, p.Ser475Phe (NM_001204824.2); short protein forms S475F, S595F.
Identifiers: ClinVar variation 2124968 (VCV002124968.4), dbSNP rs2536867446, ClinGen allele CA372218044.
Genomic context (GRCh38, chr8:132,134,305, plus strand): 5'-AAACTTTGCACCCCTGGCCCATCAGTCCATGTCCACTGGCCCCACCTGGGAGATTGCTGG[G>A]ATGGGAAGGTGAATGCTGACCCTTTCTGAGACTTCTTGTGTTTTGGCGTGGAGGGAGGTC-3'
Protein context (NP_004510.1, residues 585-605): SQKGSAFTFP[Ser595Phe]QQSPRNEPYV

ClinVar aggregate classification (germline): Uncertain significance (1 of 4 stars; one submission).

Conditions:
Benign neonatal seizures. Also called: Benign neonatal familial convulsions; Benign familial neonatal seizures; Autosomal dominant form of benign neonatal seizures; Convulsions benign familial neonatal dominant form; Benign familial neonatal epilepsy. Identifiers: Orphanet 1949, MedGen C0220669, MONDO:0016027.

Submission:

Labcorp Genetics (formerly Invitae), Labcorp
Classification: Uncertain significance for Benign neonatal seizures. Last evaluated: 2022-04-11. Review status: criteria provided, single submitter. Criteria: Invitae Variant Classification Sherloc (09022015). Collection method: clinical testing. Allele origin: germline.
Comment: This variant has not been reported in the literature in individuals affected with KCNQ3-related conditions. Advanced modeling of protein sequence and biophysical properties (such as structural, functional, and spatial information, amino acid conservation, physicochemical variation, residue mobility, and thermodynamic stability) performed at Invitae indicates that this missense variant is not expected to disrupt KCNQ3 protein function. In summary, the available evidence is currently insufficient to determine the role of this variant in disease. Therefore, it has been classified as a Variant of Uncertain Significance. This variant is not present in population databases (gnomAD no frequency). This sequence change replaces serine, which is neutral and polar, with phenylalanine, which is neutral and non-polar, at codon 595 of the KCNQ3 protein (p.Ser595Phe).